The following is an entry in ClinVar:

ClinVar aggregate classification (germline): Pathogenic. Review status: criteria provided, multiple submitters, no conflicts (2 of 4 stars). 6 submissions from 6 submitters: Pathogenic (6). Last evaluated 2025-12-03.

Conditions:
Hereditary cancer-predisposing syndrome. Also called: Neoplastic Syndromes, Hereditary; Hereditary Cancer Syndrome; Hereditary neoplastic syndrome; Tumor predisposition. Identifiers: Orphanet 140162, MedGen C0027672, MeSH D009386, MONDO:0015356.
Cardiovascular phenotype. Identifiers: MedGen CN230736.
Neurofibromatosis, type 1 (NF1). Also called: Peripheral type neurofibromatosis; Neurofibromatosis, type I; VON RECKLINGHAUSEN DISEASE; NEUROFIBROMATOSIS, TYPE I, SOMATIC. Identifiers: Orphanet 636, MedGen C0027831, MONDO:0018975, OMIM 162200. Disease mechanism: loss of function.

Submissions (6):

Labcorp Genetics (formerly Invitae), Labcorp
Classification: Pathogenic for Neurofibromatosis, type 1. Last evaluated: 2025-12-03. Review status: criteria provided, single submitter. Criteria: Invitae Variant Classification Sherloc (09022015). Collection method: clinical testing. Allele origin: germline.
Comment: This sequence change affects a donor splice site in intron 29 of the NF1 gene. It is expected to disrupt RNA splicing. Variants that disrupt the donor or acceptor splice site typically lead to a loss of protein function (PMID: 16199547), and loss-of-function variants in NF1 are known to be pathogenic (PMID: 10712197, 23913538). This variant is not present in population databases (gnomAD no frequency). Disruption of this splice site has been observed in individuals with neurofibromatosis type 1 (PMID: 11735023). Invitae Evidence Modeling of clinical and family history, age, sex, and reported ancestry of multiple individuals with this NF1 variant has been performed. This variant is expected to be pathogenic with a positive predictive value of at least 99%. This is a validated machine learning model that incorporates the clinical features of 1,785,918 individuals referred to our laboratory for NF1 testing. ClinVar contains an entry for this variant (Variation ID: 571920). Algorithms developed to predict the effect of sequence changes on RNA splicing suggest that this variant may disrupt the consensus splice site. For these reasons, this variant has been classified as Pathogenic.

Institute of Medical Genetics and Applied Genomics, University Hospital Tübingen
Classification: Pathogenic for Neurofibromatosis, type 1. Last evaluated: 2024-09-11. Review status: criteria provided, single submitter. Criteria: ACMG Guidelines, 2015. Collection method: clinical testing. Allele origin: germline. Inheritance: Autosomal dominant inheritance. Affected: yes.

GeneDx
Classification: Pathogenic. Last evaluated: 2023-11-27. Review status: criteria provided, single submitter. Criteria: GeneDx Variant Classification Process June 2021. Collection method: clinical testing. Allele origin: germline.
Comment: Canonical splice site variant predicted to result in a null allele in a gene for which loss of function is a known mechanism of disease; Not observed at significant frequency in large population cohorts (gnomAD); This variant is associated with the following publications: (PMID: 11735023)

Genome-Nilou Lab
Classification: Pathogenic for Neurofibromatosis, type 1. Last evaluated: 2022-03-15. Review status: criteria provided, single submitter. Criteria: ACMG Guidelines, 2015. Collection method: clinical testing. Allele origin: germline. Affected: no.

Genome Diagnostics Laboratory, The Hospital for Sick Children
Classification: Pathogenic for Neurofibromatosis, type 1. Last evaluated: 2020-10-26. Review status: criteria provided, single submitter. Criteria: ACMG Guidelines, 2015. Collection method: clinical testing. Allele origin: germline. Affected: yes.

Ambry Genetics
Classification: Pathogenic for Cardiovascular phenotype; Hereditary cancer-predisposing syndrome. Last evaluated: 2019-03-30. Review status: criteria provided, single submitter. Criteria: Ambry Variant Classification Scheme 2023. Collection method: clinical testing. Allele origin: germline.
Comment: The c.3974+1G>C intronic pathogenic mutation results from a G to C substitution one nucleotide after coding exon 29 of the NF1 gene. This alteration has been reported in an individual with neurofibromatosis type 1 (NF1) (Han SS et al. Hum. Genet., 2001 Nov;109:487-97). Multiple different nucleotide changes at this splice junction have been reported in individuals with NF1 (Wimmer K et al. Hum. Mutat., 2007 Jun;28:599-612; Bianchessi D et al. Mol Genet Genomic Med, 2015 Nov;3:513-25). This nucleotide position is highly conserved in available vertebrate species. Using the BDGP and ESEfinder splice site prediction tools, this alteration is predicted to abolish the native splice donor site; however, direct evidence is unavailable. In addition, alterations that disrupt the canonical splice site are expected to cause aberrant splicing, resulting in an abnormal protein or a transcript that is subject to nonsense-mediated mRNA decay. As such, this alteration is classified as a disease-causing mutation.

Literature cited by the submitters: PubMed 16199547 (cited by Labcorp Genetics (formerly Invitae), Labcorp); PubMed 10712197 (cited by Labcorp Genetics (formerly Invitae), Labcorp); PubMed 23913538 (cited by Labcorp Genetics (formerly Invitae), Labcorp); PubMed 11735023 (cited by Labcorp Genetics (formerly Invitae), Labcorp).

NM_001042492.3(NF1):c.3974+1G>C

Gene: NF1 (neurofibromin 1; plus strand). Cytogenetic location: 17q11.2.
Variant type: single nucleotide variant.
Coding change: c.3974+1G>C on transcript NM_001042492.3 (MANE Select); the canonical splice donor site of the intron after coding-DNA position 3974, G replaced by C.
Molecular consequence: splice donor variant.
Genome position (GRCh38, 1-based): chr17:31,236,022, G>C. VCF-style: chr17-31236022-G-C. GRCh37 (hg19) VCF-style: chr17-29563040-G-C.
Other names: c.3974+1G>C (NM_000267.4).
Identifiers: ClinVar variation 571920 (VCV000571920.17), dbSNP rs1567852849, ClinGen allele CA398993359.